The following is an entry in ClinVar:

NM_033305.3(VPS13A):c.3541G>A (p.Ala1181Thr)

Gene: VPS13A (vacuolar protein sorting 13 homolog A; plus strand). Cytogenetic location: 9q21.2.
Variant type: single nucleotide variant.
Coding change: c.3541G>A on transcript NM_033305.3 (MANE Select); coding-DNA position 3541, G replaced by A.
Protein change: p.Ala1181Thr; replaces alanine 1181 with threonine.
Molecular consequence: missense variant.
Genome position (GRCh38, 1-based): chr9:77,295,575, G>A. VCF-style: chr9-77295575-G-A. GRCh37 (hg19) VCF-style: chr9-79910491-G-A.
Other names: c.3424G>A, p.Ala1142Thr (NM_001018037.2); c.3541G>A, p.Ala1181Thr (NM_001018038.3, NM_015186.4); short protein forms A1181T, A1142T.
Identifiers: ClinVar variation 2112560 (VCV002112560.1), dbSNP rs2537895984, ClinGen allele CA373849577.
Genomic context (GRCh38, chr9:77,295,575, plus strand): 5'-TAAGAATATAATTCTGTTATCTTACAGGCTTTTATAGATAATTTTCAGGCAGCTAAACAA[G>A]CCTTGGCTGAGGCAACTGTTCAGGCAGCTGGAATGGCTGCTACTGGTGTAAAAGAACTCG-3'
Protein context (NP_150648.2, residues 1171-1191): FIDNFQAAKQ[Ala1181Thr]LAEATVQAAG

ClinVar aggregate classification (germline): Uncertain significance (1 of 4 stars; one submission).

gnomAD v4.1: 1 of 1,611,596 alleles (0.000062%); no homozygotes.

Submission:

Labcorp Genetics (formerly Invitae), Labcorp
Classification: Uncertain significance. Last evaluated: 2022-08-15. Review status: criteria provided, single submitter. Criteria: Invitae Variant Classification Sherloc (09022015). Collection method: clinical testing. Allele origin: germline.
Comment: This sequence change replaces alanine, which is neutral and non-polar, with threonine, which is neutral and polar, at codon 1181 of the VPS13A protein (p.Ala1181Thr). This variant is not present in population databases (gnomAD no frequency). This variant has not been reported in the literature in individuals affected with VPS13A-related conditions. Algorithms developed to predict the effect of missense changes on protein structure and function are either unavailable or do not agree on the potential impact of this missense change (SIFT: "Tolerated"; PolyPhen-2: "Probably Damaging"; Align-GVGD: "Class C0"). In summary, the available evidence is currently insufficient to determine the role of this variant in disease. Therefore, it has been classified as a Variant of Uncertain Significance.